The following is an entry in ClinVar:

ClinVar aggregate classification (germline): Uncertain significance (1 of 4 stars; one submission).

Conditions:
Acrodysostosis 2 with or without hormone resistance. Also called: ACRODYSOSTOSIS 2 WITH HORMONE RESISTANCE; ACRODYSOSTOSIS 2 WITHOUT HORMONE RESISTANCE. Identifiers: Orphanet 280651, MedGen C3553250, MONDO:0013822, OMIM 614613.

Submission:

3billion
Classification: Uncertain significance for Acrodysostosis 2 with or without hormone resistance. Last evaluated: 2025-08-26. Review status: criteria provided, single submitter. Criteria: ACMG Guidelines, 2015. Collection method: clinical testing. Allele origin: germline. Affected: yes.
Comment: The variant is not observed in the gnomAD v4.1.0 dataset. Predicted Consequence/Location: Missense variant. Missense changes are a common disease-causing mechanism. In silico tool predictions suggest damaging effect of the variant on gene or gene product [REVEL: 0.89 (>=0.6, sensitivity 0.68 and specificity 0.92); 3Cnet: 0.79 (> 0.75, sensitivity 0.96 and precision 0.92)]. Different missense changes at the same codon have been reported as of uncertain significance (ClinVar ID: VCV004055897). Therefore, this variant is classified as VUS according to the recommendation of ACMG/AMP guideline.

NM_001104631.2(PDE4D):c.668T>A (p.Val223Glu)

Gene: PDE4D (phosphodiesterase 4D; minus strand). Cytogenetic location: 5q11.2.
Variant type: single nucleotide variant.
Coding change: c.668T>A on transcript NM_001104631.2 (MANE Select); coding-DNA position 668, T replaced by A.
Protein change: p.Val223Glu; replaces valine 223 with glutamic acid.
Molecular consequence: missense variant. On other transcripts: 5 prime UTR variant (3).
Genome position (GRCh38, 1-based): chr5:59,193,516, A>T on the plus strand (T>A on the coding strand, the complement: PDE4D is on the minus strand). VCF-style: chr5-59193516-A-T. GRCh37 (hg19) VCF-style: chr5-58489342-A-T.
Other names: c.485T>A, p.Val162Glu (NM_001165899.2, NM_001364599.1, NM_001364600.2); c.476T>A, p.Val159Glu (NM_001197218.2, NM_001364602.2); c.302T>A, p.Val101Glu (NM_001197219.2); c.278T>A, p.Val93Glu (NM_001197220.2); c.455T>A, p.Val152Glu (NM_001349241.2); c.338T>A, p.Val113Glu (NM_001349242.2); c.-27T>A (NM_001349243.2, NM_001364604.1); c.-283T>A (NM_001364603.1); and 1 more; short protein forms V101E, V113E, V152E, V159E, V162E, V223E, V87E, V93E.
Identifiers: ClinVar variation 4856192 (VCV004856192.1).